The following is an entry in ClinVar:

NM_004646.4(NPHS1):c.1378C>T (p.Arg460Trp)

Gene: NPHS1 (NPHS1 adhesion molecule, nephrin; minus strand). Cytogenetic location: 19q13.12.
Variant type: single nucleotide variant.
Coding change: c.1378C>T on transcript NM_004646.4 (MANE Select); coding-DNA position 1378, C replaced by T.
Protein change: p.Arg460Trp; replaces arginine 460 with tryptophan.
Molecular consequence: missense variant.
Genome position (GRCh38, 1-based): chr19:35,848,103, G>A on the plus strand (C>T on the coding strand, the complement: NPHS1 is on the minus strand). VCF-style: chr19-35848103-G-A. GRCh37 (hg19) VCF-style: chr19-36339005-G-A.
Other names: short protein forms R460W.
Identifiers: ClinVar variation 889622 (VCV000889622.8), dbSNP rs749319334, ClinGen allele CA9390450.

ClinVar aggregate classification (germline): Conflicting classifications of pathogenicity. Review status: criteria provided, conflicting classifications (1 of 4 stars). 2 submissions from 2 submitters: Uncertain significance (1); Likely benign (1). Last evaluated 2023-08-21.

Conditions:
Congenital nephrotic syndrome. Also called: Familial nephrotic syndrome. Identifiers: MedGen C3501848, MeSH C535761, MONDO:0002350, HP:0008677.

Allele frequency attached by ClinVar (database versions not stated): TOPMed 0.00001; gnomAD exomes 0.00002 and 0.00003; ExAC 0.00003; gnomAD 0.00003.
gnomAD v4.1: 45 of 1,613,868 alleles (0.0028%); highest among the groups gnomAD compares: East Asian, 0.067%; no homozygotes.

Submissions (2):

Labcorp Genetics (formerly Invitae), Labcorp
Classification: Likely benign. Last evaluated: 2023-08-21. Review status: criteria provided, single submitter. Criteria: Invitae Variant Classification Sherloc (09022015). Collection method: clinical testing. Allele origin: germline.

Illumina Laboratory Services, Illumina
Classification: Uncertain significance for Congenital nephrotic syndrome. Last evaluated: 2017-04-27. Review status: criteria provided, single submitter. Criteria: ICSL Variant Classification Criteria 13 December 2019. Collection method: clinical testing. Allele origin: germline.
Comment: This variant was observed as part of a predisposition screen in an ostensibly healthy population. A literature search was performed for the gene, cDNA change, and amino acid change (where applicable). Publications were found based on this search. However, the evidence from the literature, in combination with allele frequency data from public databases where available, was not sufficient to rule this variant in or out of causing disease. Therefore, this variant is classified as a variant of unknown significance.

Literature cited by the submitters: PubMed 12495287 (cited by Illumina Laboratory Services, Illumina).